The following is an entry in ClinVar:

ClinVar aggregate classification (germline): Uncertain significance (1 of 4 stars; one submission).

Conditions:
Congenital myasthenic syndrome 4A. Also called: CONGENITAL MYASTHENIC SYNDROME TYPE Ia1; Myasthenic syndrome, congenital, 4a, slow-channel; MYASTHENIC SYNDROME, CONGENITAL, 4A, SLOW-CHANNEL, AUTOSOMAL RECESSIVE. Identifiers: Orphanet 590, MedGen C4225413, MONDO:0011600, OMIM 605809.

Allele frequency attached by ClinVar (database versions not stated): gnomAD exomes below 0.00001; TOPMed below 0.00001.
gnomAD v4.1: 5 of 1,593,206 alleles (0.00031%); highest among the groups gnomAD compares: Non-Finnish European, 0.00043%; no homozygotes.

Submission:

Labcorp Genetics (formerly Invitae), Labcorp
Classification: Uncertain significance for Congenital myasthenic syndrome 4A. Last evaluated: 2024-08-04. Review status: criteria provided, single submitter. Criteria: Invitae Variant Classification Sherloc (09022015). Collection method: clinical testing. Allele origin: germline.
Comment: This sequence change replaces leucine, which is neutral and non-polar, with proline, which is neutral and non-polar, at codon 342 of the CHRNE protein (p.Leu342Pro). This variant is not present in population databases (gnomAD no frequency). This variant has not been reported in the literature in individuals affected with CHRNE-related conditions. ClinVar contains an entry for this variant (Variation ID: 962329). Advanced modeling of protein sequence and biophysical properties (such as structural, functional, and spatial information, amino acid conservation, physicochemical variation, residue mobility, and thermodynamic stability) has been performed at Invitae for this missense variant, however the output from this modeling did not meet the statistical confidence thresholds required to predict the impact of this variant on CHRNE protein function. In summary, the available evidence is currently insufficient to determine the role of this variant in disease. Therefore, it has been classified as a Variant of Uncertain Significance.

NM_000080.4(CHRNE):c.1025T>C (p.Leu342Pro)

Gene: CHRNE (cholinergic receptor nicotinic epsilon subunit; minus strand). Cytogenetic location: 17p13.2.
Variant type: single nucleotide variant.
Coding change: c.1025T>C on transcript NM_000080.4 (MANE Select); coding-DNA position 1025, T replaced by C.
Protein change: p.Leu342Pro; replaces leucine 342 with proline.
Molecular consequence: missense variant.
Genome position (GRCh38, 1-based): chr17:4,899,475, A>G on the plus strand (T>C on the coding strand, the complement: CHRNE is on the minus strand). VCF-style: chr17-4899475-A-G. GRCh37 (hg19) VCF-style: chr17-4802770-A-G.
Other names: short protein forms L342P.
Identifiers: ClinVar variation 962329 (VCV000962329.9), dbSNP rs1230039635, ClinGen allele CA397300789.